The following is an entry in ClinVar:

NM_017935.5(BANK1):c.1002A>G (p.Gln334=)

Gene: BANK1 (B cell scaffold protein with ankyrin repeats 1; plus strand). Cytogenetic location: 4q24.
Variant type: single nucleotide variant.
Coding change: c.1002A>G on transcript NM_017935.5 (MANE Select); coding-DNA position 1002, A replaced by G.
Protein change: p.Gln334=; no amino-acid change (glutamine 334 retained).
Molecular consequence: synonymous variant.
Genome position (GRCh38, 1-based): chr4:101,895,403, A>G. VCF-style: chr4-101895403-A-G. GRCh37 (hg19) VCF-style: chr4-102816560-A-G.
Other names: NC_000004.11:g.102816560A>G; c.912A>G, p.Gln304= (NM_001083907.3); c.603A>G, p.Gln201= (NM_001127507.3).
Identifiers: ClinVar variation 2654979 (VCV002654979.25), dbSNP rs150616221, ClinGen allele CA3024982.

ClinVar aggregate classification (germline): Likely benign (1 of 4 stars; one submission).

Allele frequency attached by ClinVar (database versions not stated): TOPMed 0.00087; ESP Exome Variant Server 0.00100; 1000 Genomes Project 30x 0.00109; 1000 Genomes Project 0.00120; gnomAD 0.00123; gnomAD exomes 0.00188; ExAC 0.00197.
gnomAD v4.1: 2,778 of 1,543,140 alleles (0.18%); highest among the groups gnomAD compares: Non-Finnish European, 0.2%; 3 homozygotes.

Submissions (4):

CeGaT Center for Human Genetics Tuebingen
Classification: Likely benign. Last evaluated: 2023-03-01. Review status: criteria provided, single submitter. Criteria: CeGaT Center For Human Genetics Tuebingen Variant Classification Criteria Version 2. Collection method: clinical testing. Allele origin: germline. Affected: yes. Observed: 1 variant allele.
Comment: BANK1: BP4, BP7

Dr. Peter K. Rogan Lab, Western University
No classification provided (evidence only). Condition: Familial cancer of breast. Review status: no classification provided. Collection method: in vitro. Allele origin: not applicable. Functional consequence: retained intron. Not counted in ClinVar's aggregate classification.

Dr. Peter K. Rogan Lab, Western University
No classification provided (evidence only). Condition: Familial cancer of breast. Review status: no classification provided. Collection method: in vitro. Allele origin: not applicable. Functional consequence: retained intron. Not counted in ClinVar's aggregate classification.

Dr. Peter K. Rogan Lab, Western University
No classification provided (evidence only). Condition: Malignant tumor of esophagus. Review status: no classification provided. Collection method: in vitro. Allele origin: not applicable. Functional consequence: retained intron. Not counted in ClinVar's aggregate classification.